The following is an entry in ClinVar:

ClinVar aggregate classification (germline): Uncertain significance (1 of 4 stars; one submission).

gnomAD v4.1: 1 of 1,612,582 alleles (0.000062%); highest among the groups gnomAD compares: Non-Finnish European, 0.000085%; no homozygotes.

Submission:

Labcorp Genetics (formerly Invitae), Labcorp
Classification: Uncertain significance. Last evaluated: 2025-12-17. Review status: criteria provided, single submitter. Criteria: Invitae Variant Classification Sherloc (09022015). Collection method: clinical testing. Allele origin: germline.
Comment: This sequence change replaces threonine, which is neutral and polar, with alanine, which is neutral and non-polar, at codon 568 of the ERBB4 protein (p.Thr568Ala). This variant is not present in population databases (gnomAD no frequency). This variant has not been reported in the literature in individuals affected with ERBB4-related conditions. Invitae Evidence Modeling of protein sequence and biophysical properties (such as structural, functional, and spatial information, amino acid conservation, physicochemical variation, residue mobility, and thermodynamic stability) indicates that this missense variant is not expected to disrupt ERBB4 protein function with a negative predictive value of 80%. In summary, the available evidence is currently insufficient to determine the role of this variant in disease. Therefore, it has been classified as a Variant of Uncertain Significance.

NM_005235.3(ERBB4):c.1702A>G (p.Thr568Ala)

Gene: ERBB4 (erb-b2 receptor tyrosine kinase 4; minus strand). Cytogenetic location: 2q34.
Variant type: single nucleotide variant.
Coding change: c.1702A>G on transcript NM_005235.3 (MANE Select); coding-DNA position 1702, A replaced by G.
Protein change: p.Thr568Ala; replaces threonine 568 with alanine.
Molecular consequence: missense variant.
Genome position (GRCh38, 1-based): chr2:211,673,178, T>C on the plus strand (A>G on the coding strand, the complement: ERBB4 is on the minus strand). VCF-style: chr2-211673178-T-C. GRCh37 (hg19) VCF-style: chr2-212537903-T-C.
Other names: c.1702A>G, p.Thr568Ala (NM_001042599.2, NM_001439005.1, NM_001439006.1); short protein forms T568A.
Identifiers: ClinVar variation 4812099 (VCV004812099.1).